The following is an entry in ClinVar:

ClinVar aggregate classification (germline): Likely pathogenic (1 of 4 stars; one submission).

gnomAD v4.1: 1 of 1,613,280 alleles (0.000062%); highest among the groups gnomAD compares: Non-Finnish European, 0.000085%; no homozygotes.

Submission:

ARUP Laboratories, Molecular Genetics and Genomics, ARUP Laboratories
Classification: Likely pathogenic. Review status: criteria provided, single submitter. Criteria: ARUP Molecular Germline Variant Investigation Process 2024. Collection method: clinical testing. Allele origin: germline.
Comment: The HERC2 c.13450G>A; p.Glu4484Lys variant, to our knowledge, is not reported in the medical literature or gene specific databases. This variant is also absent from the Genome Aggregation Database (v2.1.1), indicating it is not a common polymorphism. Computational analyses predict that this variant is deleterious (REVEL: 0.799). Based on available information, this variant is considered to be likely pathogenic.

NM_004667.6(HERC2):c.13450G>A (p.Glu4484Lys)

Gene: HERC2 (HECT and RLD domain containing E3 ubiquitin protein ligase 2; minus strand). Cytogenetic location: 15q13.1.
Variant type: single nucleotide variant.
Coding change: c.13450G>A on transcript NM_004667.6 (MANE Select); coding-DNA position 13450, G replaced by A.
Protein change: p.Glu4484Lys; replaces glutamic acid 4484 with lysine.
Molecular consequence: missense variant.
Genome position (GRCh38, 1-based): chr15:28,116,824, C>T on the plus strand (G>A on the coding strand, the complement: HERC2 is on the minus strand). VCF-style: chr15-28116824-C-T. GRCh37 (hg19) VCF-style: chr15-28361970-C-T.
Other names: short protein forms E4484K.
Identifiers: ClinVar variation 4686012 (VCV004686012.1).
Genomic context (GRCh38, chr15:28,116,824, plus strand): 5'-TCACGATCAGCAGGGGCGTGAGTCCGTTCTGCAGCTCCTCACAGATCTCAGCTATGGACT[C>T]GCTGTAGCCGCCCCCACAGTCATCCACAGATTCACCTGCAGGGGAGAAGCAGCCACTCGA-3'
Protein context (NP_004658.3, residues 4474-4494): SVDDCGGGYS[Glu4484Lys]SIAEICEELQ